The following is an entry in ClinVar:

ClinVar aggregate classification (germline): Uncertain significance (1 of 4 stars; one submission).

Conditions:
Primary ciliary dyskinesia. Also called: Ciliary dyskinesia. Identifiers: Orphanet 244, MedGen C0008780, MONDO:0016575, HP:0012265.

gnomAD v4.1: 22 of 1,614,058 alleles (0.0014%); highest among the groups gnomAD compares: East Asian, 0.049%; no homozygotes.

Submission:

Labcorp Genetics (formerly Invitae), Labcorp
Classification: Uncertain significance for Primary ciliary dyskinesia. Last evaluated: 2019-11-15. Review status: criteria provided, single submitter. Criteria: Invitae Variant Classification Sherloc (09022015). Collection method: clinical testing. Allele origin: germline.
Comment: This variant has not been reported in the literature in individuals with DNAAF5-related conditions. This variant is present in population databases (rs200573334, ExAC 0.01%). This sequence change replaces aspartic acid with tyrosine at codon 370 of the DNAAF5 protein (p.Asp370Tyr). The aspartic acid residue is highly conserved and there is a large physicochemical difference between aspartic acid and tyrosine. Algorithms developed to predict the effect of missense changes on protein structure and function are either unavailable or do not agree on the potential impact of this missense change (SIFT: "Deleterious"; PolyPhen-2: "Probably Damaging"; Align-GVGD: "Class C0"). In summary, the available evidence is currently insufficient to determine the role of this variant in disease. Therefore, it has been classified as a Variant of Uncertain Significance.

NM_017802.4(DNAAF5):c.1108G>T (p.Asp370Tyr)

Gene: DNAAF5 (dynein axonemal assembly factor 5; plus strand). Cytogenetic location: 7p22.3.
Variant type: single nucleotide variant.
Coding change: c.1108G>T on transcript NM_017802.4 (MANE Select); coding-DNA position 1108, G replaced by T.
Protein change: p.Asp370Tyr; replaces aspartic acid 370 with tyrosine.
Molecular consequence: missense variant. On other transcripts: non-coding transcript variant (1).
Genome position (GRCh38, 1-based): chr7:754,672, G>T. VCF-style: chr7-754672-G-T. GRCh37 (hg19) VCF-style: chr7-794309-G-T.
Other names: short protein forms D370Y.
Identifiers: ClinVar variation 968928 (VCV000968928.10), dbSNP rs200573334, ClinGen allele CA4110596.